The following is an entry in ClinVar:

ClinVar aggregate classification (germline): Conflicting classifications of pathogenicity. Review status: criteria provided, conflicting classifications (1 of 4 stars). 5 submissions from 5 submitters: Uncertain significance (4); Likely benign (1). Last evaluated 2026-07-09.

Conditions:
Cardiovascular phenotype. Identifiers: MedGen CN230736.
Cardiomyopathy (CMYO). Also called: Cardiomyopathies. Identifiers: Orphanet 167848, MedGen C0878544, MONDO:0004994, HP:0001638. Inheritance: Various modes of inheritance.
Hypertrophic cardiomyopathy. Also called: HYPERTROPHIC MYOCARDIOPATHY. Identifiers: Orphanet 217569, MedGen C0007194, MeSH D002312, MONDO:0005045, HP:0001639.
Lethal congenital glycogen storage disease of heart. Also called: GLYCOGEN STORAGE DISEASE OF HEART; PHOSPHORYLASE KINASE DEFICIENCY OF HEART. Identifiers: Orphanet 439854, MedGen C1849813, MONDO:0009867, OMIM 261740.

Allele frequency attached by ClinVar (database versions not stated): ExAC 0.00001; TOPMed below 0.00001; gnomAD exomes 0.00001.
gnomAD v4.1: 4 of 1,610,288 alleles (0.00025%); highest among the groups gnomAD compares: Admixed American, 0.0067%; no homozygotes.

Submissions (5):

GeneDx
Classification: Uncertain significance. Last evaluated: 2026-07-09. Review status: criteria provided, single submitter. Criteria: GeneDx Variant Classification Process June 2021. Collection method: clinical testing. Allele origin: germline.
Comment: Has not been previously published as pathogenic or benign to our knowledge; Not observed at significant frequency in large population cohorts (gnomAD); In silico analysis suggests that this missense variant does not alter protein structure/function

Ambry Genetics
Classification: Uncertain significance for Cardiovascular phenotype. Last evaluated: 2025-06-07. Review status: criteria provided, single submitter. Criteria: Ambry Variant Classification Scheme 2023. Collection method: clinical testing. Allele origin: germline.

All of Us Research Program, National Institutes of Health
Classification: Uncertain significance for Hypertrophic cardiomyopathy. Last evaluated: 2023-11-20. Review status: criteria provided, single submitter. Criteria: ACMG Guidelines, 2015. Collection method: clinical testing. Allele origin: germline. Inheritance: Autosomal dominant inheritance. Observed: 1 variant allele, 1 heterozygote.
Comment: This missense variant replaces aspartic acid with glycine at codon 13 of the PRKAG2 protein. Computational prediction tool suggests that this variant may not impact protein structure and function (internally defined REVEL score threshold <=0.5, PMID: 27666373). Splice site prediction tools suggest that this variant may not impact RNA splicing. To our knowledge, functional studies have not been performed for this variant. This variant has not been reported in individuals affected with cardiovascular disorders in the literature. This variant has been identified in 3/248684 chromosomes in the general population by the Genome Aggregation Database (gnomAD). The available evidence is insufficient to determine the role of this variant in disease conclusively. Therefore, this variant is classified as a Variant of Uncertain Significance.

This study involves interpretation of variants in research participants for the purpose of population health screening. Participant phenotype was not available at the time of variant classification. Additional details can be found in publication PMID: 35346344, PMCID: PMC8962531

Color Diagnostics, LLC DBA Color Health
Classification: Uncertain significance for Cardiomyopathy. Last evaluated: 2023-10-25. Review status: criteria provided, single submitter. Criteria: ACMG Guidelines, 2015. Collection method: clinical testing. Allele origin: germline.
Comment: This missense variant replaces aspartic acid with glycine at codon 13 of the PRKAG2 protein. Computational prediction suggests that this variant may not impact protein structure and function (internally defined REVEL score threshold <= 0.5, PMID: 27666373). To our knowledge, functional studies have not been reported for this variant. This variant has not been reported in individuals affected with PRKAG2-related disorders in the literature. This variant has been identified in 3/248684 chromosomes in the general population by the Genome Aggregation Database (gnomAD). The available evidence is insufficient to determine the role of this variant in disease conclusively. Therefore, this variant is classified as a Variant of Uncertain Significance.

Labcorp Genetics (formerly Invitae), Labcorp
Classification: Likely benign for Lethal congenital glycogen storage disease of heart. Last evaluated: 2022-09-07. Review status: criteria provided, single submitter. Criteria: Invitae Variant Classification Sherloc (09022015). Collection method: clinical testing. Allele origin: germline.

NM_016203.4(PRKAG2):c.38A>G (p.Asp13Gly)

Gene: PRKAG2 (protein kinase AMP-activated non-catalytic subunit gamma 2; minus strand). Cytogenetic location: 7q36.1.
Variant type: single nucleotide variant.
Coding change: c.38A>G on transcript NM_016203.4 (MANE Select); coding-DNA position 38, A replaced by G.
Protein change: p.Asp13Gly; replaces aspartic acid 13 with glycine.
Molecular consequence: missense variant.
Genome position (GRCh38, 1-based): chr7:151,876,583, T>C on the plus strand (A>G on the coding strand, the complement: PRKAG2 is on the minus strand). VCF-style: chr7-151876583-T-C. GRCh37 (hg19) VCF-style: chr7-151573668-T-C.
Other names: c.38A>G (NM_016203.3); short protein forms D13G.
Identifiers: ClinVar variation 921137 (VCV000921137.15), dbSNP rs768453540, ClinGen allele CA056988.
Genomic context (GRCh38, chr7:151,876,583, plus strand): 5'-AGCGAACGCCTCTTCTGGCTGGCATTTTTCTTGCCGCCGCTCCCGCCGGGGCTGGAAACA[T>C]CTTTTTTCTTCTTGGTGTCCATAACCGCGCTTCCCATAACTCTAACCAGAAGTTGATTCT-3'
Protein context (NP_057287.2, residues 3-23): SAVMDTKKKK[Asp13Gly]VSSPGGSGGK